The following is an entry in ClinVar:

NM_001042492.3(NF1):c.7198C>T (p.His2400Tyr)

Gene: NF1 (neurofibromin 1; plus strand). Cytogenetic location: 17q11.2.
Variant type: single nucleotide variant.
Coding change: c.7198C>T on transcript NM_001042492.3 (MANE Select); coding-DNA position 7198, C replaced by T.
Protein change: p.His2400Tyr; replaces histidine 2400 with tyrosine.
Molecular consequence: missense variant.
Genome position (GRCh38, 1-based): chr17:31,349,128, C>T. VCF-style: chr17-31349128-C-T. GRCh37 (hg19) VCF-style: chr17-29676146-C-T.
Other names: c.7135C>T, p.His2379Tyr (NM_000267.4); short protein forms H2379Y, H2400Y.
Identifiers: ClinVar variation 571612 (VCV000571612.11), dbSNP rs1567623421, ClinGen allele CA399016669.

ClinVar aggregate classification (germline): Uncertain significance. Review status: criteria provided, multiple submitters, no conflicts (2 of 4 stars). 3 submissions from 3 submitters: Uncertain significance (3). Last evaluated 2023-06-21.

Conditions:
Neurofibromatosis, type 1 (NF1). Also called: Peripheral type neurofibromatosis; VON RECKLINGHAUSEN DISEASE; Neurofibromatosis, type I; NEUROFIBROMATOSIS, TYPE I, SOMATIC. Identifiers: Orphanet 636, MedGen C0027831, MONDO:0018975, OMIM 162200. Disease mechanism: loss of function.
Cardiovascular phenotype. Identifiers: MedGen CN230736.
Hereditary cancer-predisposing syndrome. Also called: Hereditary neoplastic syndrome; Neoplastic Syndromes, Hereditary; Hereditary Cancer Syndrome; Tumor predisposition. Identifiers: Orphanet 140162, MedGen C0027672, MeSH D009386, MONDO:0015356.

Submissions (3):

Labcorp Genetics (formerly Invitae), Labcorp
Classification: Uncertain significance for Neurofibromatosis, type 1. Last evaluated: 2023-06-21. Review status: criteria provided, single submitter. Criteria: Invitae Variant Classification Sherloc (09022015). Collection method: clinical testing. Allele origin: germline.
Comment: Advanced modeling of protein sequence and biophysical properties (such as structural, functional, and spatial information, amino acid conservation, physicochemical variation, residue mobility, and thermodynamic stability) performed at Invitae indicates that this missense variant is expected to disrupt NF1 protein function. In summary, the available evidence is currently insufficient to determine the role of this variant in disease. Therefore, it has been classified as a Variant of Uncertain Significance. ClinVar contains an entry for this variant (Variation ID: 571612). This variant has not been reported in the literature in individuals affected with NF1-related conditions. This variant is not present in population databases (gnomAD no frequency). This sequence change replaces histidine, which is basic and polar, with tyrosine, which is neutral and polar, at codon 2379 of the NF1 protein (p.His2379Tyr).

Genome-Nilou Lab
Classification: Uncertain significance for Neurofibromatosis, type 1. Last evaluated: 2022-03-15. Review status: criteria provided, single submitter. Criteria: ACMG Guidelines, 2015. Collection method: clinical testing. Allele origin: germline. Affected: no.

Ambry Genetics
Classification: Uncertain significance for Cardiovascular phenotype; Hereditary cancer-predisposing syndrome. Last evaluated: 2018-06-29. Review status: criteria provided, single submitter. Criteria: Ambry Variant Classification Scheme 2023. Collection method: clinical testing. Allele origin: germline.
Comment: The p.H2379Y variant (also known as c.7135C>T), located in coding exon 48 of the NF1 gene, results from a C to T substitution at nucleotide position 7135. The histidine at codon 2379 is replaced by tyrosine, an amino acid with similar properties. This amino acid position is highly conserved in available vertebrate species. In addition, the in silico prediction for this alteration is inconclusive. Since supporting evidence is limited at this time, the clinical significance of this alteration remains unclear.